The following is an entry in ClinVar:

ClinVar aggregate classification (germline): Uncertain significance (1 of 4 stars; one submission).

Submission:

Greenwood Genetic Center Diagnostic Laboratories, Greenwood Genetic Center
Classification: Uncertain significance. Last evaluated: 2022-02-04. Review status: criteria provided, single submitter. Criteria: ACMG Guidelines, 2015. Collection method: clinical testing. Allele origin: germline. Affected: yes.
Comment: Gene of Uncertain Clinical Significance

NM_001080495.3(TNRC18):c.1756C>T (p.Gln586Ter)

Gene: TNRC18 (trinucleotide repeat containing 18; minus strand). Cytogenetic location: 7p22.1.
Variant type: single nucleotide variant.
Coding change: c.1756C>T on transcript NM_001080495.3 (MANE Select); coding-DNA position 1756, C replaced by T.
Protein change: p.Gln586Ter; replaces glutamine 586 with a stop codon.
Molecular consequence: nonsense.
Genome position (GRCh38, 1-based): chr7:5,388,068, G>A on the plus strand (C>T on the coding strand, the complement: TNRC18 is on the minus strand). VCF-style: chr7-5388068-G-A. GRCh37 (hg19) VCF-style: chr7-5427699-G-A.
Other names: short protein forms Q586*.
Identifiers: ClinVar variation 1676572 (VCV001676572.3), dbSNP rs2128192991, ClinGen allele CA366702949.